The following is an entry in ClinVar:

ClinVar aggregate classification (germline): Uncertain significance (1 of 4 stars; one submission).

Submission:

Labcorp Genetics (formerly Invitae), Labcorp
Classification: Uncertain significance. Last evaluated: 2025-04-11. Review status: criteria provided, single submitter. Criteria: Invitae Variant Classification Sherloc (09022015). Collection method: clinical testing. Allele origin: germline.
Comment: This sequence change replaces glycine, which is neutral and non-polar, with arginine, which is basic and polar, at codon 624 of the COL9A2 protein (p.Gly624Arg). This variant also falls at the last nucleotide of exon 31, which is part of the consensus splice site for this exon. This variant is not present in population databases (gnomAD no frequency). This variant has not been reported in the literature in individuals affected with COL9A2-related conditions. An algorithm developed to predict the effect of missense changes on protein structure and function (PolyPhen-2) suggests that this variant is likely to be disruptive. Variants that disrupt the consensus splice site are a relatively common cause of aberrant splicing (PMID: 17576681, 9536098). Algorithms developed to predict the effect of sequence changes on RNA splicing suggest that this variant may disrupt the consensus splice site. In summary, the available evidence is currently insufficient to determine the role of this variant in disease. Therefore, it has been classified as a Variant of Uncertain Significance.

Literature cited by the submitters: PubMed 17576681; PubMed 9536098.

NM_001852.4(COL9A2):c.1870G>A (p.Gly624Arg)

Gene: COL9A2 (collagen type IX alpha 2 chain; minus strand). Cytogenetic location: 1p34.2.
Variant type: single nucleotide variant.
Coding change: c.1870G>A on transcript NM_001852.4 (MANE Select); coding-DNA position 1870, G replaced by A.
Protein change: p.Gly624Arg; replaces glycine 624 with arginine.
Molecular consequence: missense variant.
Genome position (GRCh38, 1-based): chr1:40,301,812, C>T on the plus strand (G>A on the coding strand, the complement: COL9A2 is on the minus strand). VCF-style: chr1-40301812-C-T. GRCh37 (hg19) VCF-style: chr1-40767484-C-T.
Other names: short protein forms G624R.
Identifiers: ClinVar variation 4710142 (VCV004710142.1).